The following is an entry in ClinVar:

ClinVar aggregate classification (germline): Uncertain significance (1 of 4 stars; one submission).

Conditions:
Congenital myotonia, autosomal dominant form (THD). Also called: THOMSEN DISEASE; Myotonia congenita autosomal dominant. Identifiers: Orphanet 614, MedGen C2936781, MONDO:0008055, OMIM 160800.
Congenital myotonia, autosomal recessive form. Also called: Becker Generalized Myotonia; myotonia congenita, autosomal recessive; BECKER DISEASE. Identifiers: Orphanet 614, MedGen C0751360, MONDO:0009715, OMIM 255700.

gnomAD v4.1: 1 of 1,614,100 alleles (0.000062%); highest among the groups gnomAD compares: Non-Finnish European, 0.000085%; no homozygotes.

Submission:

Labcorp Genetics (formerly Invitae), Labcorp
Classification: Uncertain significance for Congenital myotonia, autosomal recessive form; Congenital myotonia, autosomal dominant form. Last evaluated: 2024-03-18. Review status: criteria provided, single submitter. Criteria: Invitae Variant Classification Sherloc (09022015). Collection method: clinical testing. Allele origin: germline.
Comment: This sequence change replaces glutamine, which is neutral and polar, with arginine, which is basic and polar, at codon 879 of the CLCN1 protein (p.Gln879Arg). This variant is not present in population databases (gnomAD no frequency). This variant has not been reported in the literature in individuals affected with CLCN1-related conditions. Advanced modeling of protein sequence and biophysical properties (such as structural, functional, and spatial information, amino acid conservation, physicochemical variation, residue mobility, and thermodynamic stability) performed at Invitae indicates that this missense variant is not expected to disrupt CLCN1 protein function with a negative predictive value of 95%. In summary, the available evidence is currently insufficient to determine the role of this variant in disease. Therefore, it has been classified as a Variant of Uncertain Significance.

NM_000083.3(CLCN1):c.2636A>G (p.Gln879Arg)

Gene: CLCN1 (chloride voltage-gated channel 1; plus strand). Cytogenetic location: 7q34.
Variant type: single nucleotide variant.
Coding change: c.2636A>G on transcript NM_000083.3 (MANE Select); coding-DNA position 2636, A replaced by G.
Protein change: p.Gln879Arg; replaces glutamine 879 with arginine.
Molecular consequence: missense variant. On other transcripts: non-coding transcript variant (1).
Genome position (GRCh38, 1-based): chr7:143,351,634, A>G. VCF-style: chr7-143351634-A-G. GRCh37 (hg19) VCF-style: chr7-143048727-A-G.
Other names: short protein forms Q879R.
Identifiers: ClinVar variation 3754137 (VCV003754137.2).